The following is an entry in ClinVar:

ClinVar aggregate classification (germline): Benign/Likely benign. Review status: criteria provided, multiple submitters, no conflicts (2 of 4 stars). 7 submissions from 7 submitters: Benign (6); Likely benign (1). Last evaluated 2026-02-02.

Conditions:
Congenital myasthenic syndrome 8. Also called: Myasthenic syndrome, congenital, 8, with pre- and postsynaptic defects; MYASTHENIC SYNDROME, CONGENITAL, DUE TO AGRIN DEFICIENCY. Identifiers: Orphanet 590, MedGen C3808739, MONDO:0014052, OMIM 615120.

Allele frequency attached by ClinVar (database versions not stated): gnomAD exomes 0.00134 and 0.00564; gnomAD 0.00922 and 0.00928; ExAC 0.01494; TOPMed 0.01886; 1000 Genomes Project 30x 0.02545; 1000 Genomes Project 0.02556.
gnomAD v4.1: 3,137 of 1,399,664 alleles (0.22%); highest among the groups gnomAD compares: African/African-American, 2.1%; 61 homozygotes.

Submissions (7):

Labcorp Genetics (formerly Invitae), Labcorp
Classification: Benign for Congenital myasthenic syndrome 8. Last evaluated: 2026-02-02. Review status: criteria provided, single submitter. Criteria: Invitae Variant Classification Sherloc (09022015). Collection method: clinical testing. Allele origin: germline.

Blueprint Genetics
Classification: Likely benign. Last evaluated: 2024-11-21. Review status: criteria provided, single submitter. Criteria: ACMG Guidelines, 2015. Collection method: clinical testing. Allele origin: germline.

Mayo Clinic Laboratories, Mayo Clinic
Classification: Benign. Last evaluated: 2024-07-30. Review status: criteria provided, single submitter. Criteria: ACMG Guidelines, 2015. Collection method: clinical testing. Allele origin: germline. Observed: 2 variant alleles.
Comment: BS1, BS2, BP4, BP7

Athena Diagnostics
Classification: Benign. Last evaluated: 2018-03-27. Review status: criteria provided, single submitter. Criteria: Athena Diagnostics Criteria. Collection method: clinical testing. Allele origin: germline.

GeneDx
Classification: Benign. Last evaluated: 2016-12-31. Review status: criteria provided, single submitter. Criteria: GeneDx Variant Classification (06012015). Collection method: clinical testing. Allele origin: germline. Affected: yes.
Comment: This variant is considered likely benign or benign based on one or more of the following criteria: it is a conservative change, it occurs at a poorly conserved position in the protein, it is predicted to be benign by multiple in silico algorithms, and/or has population frequency not consistent with disease.

Breakthrough Genomics
Classification: Benign. Review status: criteria provided, single submitter. Criteria: ACMG Guidelines, 2015. Collection method: not provided. Allele origin: germline. Inheritance: Autosomal recessive inheritance. Affected: yes.

PreventionGenetics, part of Exact Sciences
Classification: Benign. Review status: criteria provided, single submitter. Criteria: ACMG Guidelines, 2015. Collection method: clinical testing. Allele origin: germline.

NM_198576.4(AGRN):c.729C>G (p.Gly243=)

Gene: AGRN (agrin; plus strand). Cytogenetic location: 1p36.33.
Variant type: single nucleotide variant.
Coding change: c.729C>G on transcript NM_198576.4 (MANE Select); coding-DNA position 729, C replaced by G.
Protein change: p.Gly243=; no amino-acid change (glycine 243 retained).
Molecular consequence: synonymous variant.
Genome position (GRCh38, 1-based): chr1:1,041,174, C>G. VCF-style: chr1-1041174-C-G. GRCh37 (hg19) VCF-style: chr1-976554-C-G.
Other names: p.Gly243=; c.729C>G (LRG_198t1); c.729C>G, p.Gly243= (NM_001305275.2); c.414C>G, p.Gly138= (NM_001364727.2).
Identifiers: ClinVar variation 263202 (VCV000263202.15), dbSNP rs191270495, ClinGen allele CA507911.
Genomic context (GRCh38, chr1:1,041,174, plus strand): 5'-GAGCGGGGCGGGAGCGGGGGCGGGGGCGGCCCGTCTGACCGGCAAAGCCCCGCCCGCAGG[C>G]TCGCGGGACCCCTGCTCCAACGTGACCTGCAGCTTCGGCAGCACCTGTGCGCGCTCGGCC-3'
Protein context (NP_940978.2, residues 233-253): RIRLLSRGPC[Gly243=]SRDPCSNVTC